The following is an entry in ClinVar:

NM_024915.4(GRHL2):c.1099-1G>A

Gene: GRHL2 (grainyhead like transcription factor 2; plus strand). Cytogenetic location: 8q22.3.
Variant type: single nucleotide variant.
Coding change: c.1099-1G>A on transcript NM_024915.4 (MANE Select); the canonical splice acceptor site of the intron before coding-DNA position 1099, G replaced by A.
Molecular consequence: splice acceptor variant.
Genome position (GRCh38, 1-based): chr8:101,619,538, G>A. VCF-style: chr8-101619538-G-A. GRCh37 (hg19) VCF-style: chr8-102631766-G-A.
Other names: c.1051-1G>A (NM_001330593.2).
Identifiers: ClinVar variation 3600504 (VCV003600504.1).

ClinVar aggregate classification (germline): Likely pathogenic (1 of 4 stars; one submission).

Conditions:
Autosomal dominant nonsyndromic hearing loss 28. Identifiers: Orphanet 90635, MedGen C1837640, MONDO:0012083, OMIM 608641.

Submission:

Clinical Genomics Laboratory, Washington University in St. Louis
Classification: Likely pathogenic for Autosomal dominant nonsyndromic hearing loss 28. Last evaluated: 2024-07-03. Review status: criteria provided, single submitter. Criteria: ACMG Guidelines, 2015. Collection method: clinical testing. Allele origin: germline. Affected: yes.
Comment: The GRHL2 c.1099-1G>A variant, to our knowledge, has not been reported in the medical literature. This variant is absent from the general population (gnomAD v.2.1.1), indicating it is not a common variant. This variant occurs within the canonical splice acceptor site, which is predicted to cause an aberrant splicing profile. Based on available information and the ACMG/AMP guidelines for variant interpretation (Richards S et al., PMID: 25741868), this variant is classified as likely pathogenic.